The following is an entry in ClinVar:

ClinVar aggregate classification (germline): Benign. Review status: criteria provided, multiple submitters, no conflicts (2 of 4 stars). 4 submissions from 4 submitters: Benign (4). Last evaluated 2022-04-01.

Conditions:
Hypothyroidism, congenital, nongoitrous, 2 (CHNG2). Also called: Hypothyroidism, congenital, due to thyroid dysgenesis or hypoplasia. Identifiers: Orphanet 95712, MedGen C1869118, MONDO:0024264, OMIM 218700.

Allele frequency attached by ClinVar (database versions not stated): gnomAD exomes 0.00048 and 0.00139; ExAC 0.00256; ESP Exome Variant Server 0.00452; gnomAD 0.00516; TOPMed 0.00548; 1000 Genomes Project 30x 0.00656; 1000 Genomes Project 0.00659.
gnomAD v4.1: 1,470 of 1,610,036 alleles (0.091%); highest among the groups gnomAD compares: African/African-American, 1.6%; 11 homozygotes.

Submissions (4):

CeGaT Center for Human Genetics Tuebingen
Classification: Benign. Last evaluated: 2022-04-01. Review status: criteria provided, single submitter. Criteria: CeGaT Center For Human Genetics Tuebingen Variant Classification Criteria Version 2. Collection method: clinical testing. Allele origin: germline. Affected: yes. Observed: 1 variant allele.
Comment: PAX8: BP4, BS1, BS2

Labcorp Genetics (formerly Invitae), Labcorp
Classification: Benign. Last evaluated: 2019-12-31. Review status: criteria provided, single submitter. Criteria: Invitae Variant Classification Sherloc (09022015). Collection method: clinical testing. Allele origin: germline.

Illumina Laboratory Services, Illumina
Classification: Benign for Hypothyroidism, congenital, nongoitrous, 2. Last evaluated: 2017-04-27. Review status: criteria provided, single submitter. Criteria: ICSL Variant Classification Criteria 13 December 2019. Collection method: clinical testing. Allele origin: germline.
Comment: This variant was observed as part of a predisposition screen in an ostensibly healthy population. A literature search was performed for the gene, cDNA change, and amino acid change (where applicable). Publications were found based on this search. The evidence from the literature, in combination with allele frequency data from public databases where available, was sufficient to rule this variant out of causing disease. Therefore, this variant is classified as benign.

GeneDx
Classification: Benign. Last evaluated: 2015-03-03. Review status: criteria provided, single submitter. Criteria: GeneDx Variant Classification Process June 2021. Collection method: clinical testing. Allele origin: germline. Affected: yes.
Comment: This variant is associated with the following publications: (PMID: 32425884, 28060725, 28455095)

Literature cited by the submitters: PubMed 28060725 (cited by Illumina Laboratory Services, Illumina).

NM_003466.4(PAX8):c.1143C>T (p.Ser381=)

Gene: PAX8 (paired box 8; minus strand). Cytogenetic location: 2q14.1.
Variant type: single nucleotide variant.
Coding change: c.1143C>T on transcript NM_003466.4 (MANE Select); coding-DNA position 1143, C replaced by T.
Protein change: p.Ser381=; no amino-acid change (serine 381 retained).
Molecular consequence: synonymous variant. On other transcripts: missense variant (2), intron variant (1).
Genome position (GRCh38, 1-based): chr2:113,227,201, G>A on the plus strand (C>T on the coding strand, the complement: PAX8 is on the minus strand). VCF-style: chr2-113227201-G-A. GRCh37 (hg19) VCF-style: chr2-113984778-G-A.
Other names: c.1064C>T, p.Ala355Val (NM_013952.4); c.833C>T, p.Ala278Val (NM_013953.4); c.778-7023C>T (NM_013992.4); short protein forms A278V, A355V.
Identifiers: ClinVar variation 702382 (VCV000702382.34), dbSNP rs145036350, ClinGen allele CA1839945.
Genomic context (GRCh38, chr2:113,227,201, plus strand): 5'-GGCCCTCTCCTTACCTGCCACCATGCCTGCGATGGCAGAGGAGGCATAGCTGCCCTGTCC[G>A]CTGGTGGGGATGTGGGGTGGGTATCCGGGCAGCGTGGGCCCCACCATCTCTCGCCCTGGA-3'
Protein context (NP_003457.1, residues 371-391): LPGYPPHIPT[Ser381=]GQGSYASSAI